The following is an entry in ClinVar:

ClinVar aggregate classification (germline): Uncertain significance (1 of 4 stars; one submission).

Conditions:
Cardiovascular phenotype. Identifiers: MedGen CN230736.

Allele frequency attached by ClinVar (database versions not stated): gnomAD exomes below 0.00001.
gnomAD v4.1: 3 of 1,591,690 alleles (0.00019%); highest among the groups gnomAD compares: Non-Finnish European, 0.00026%; no homozygotes.

Submission:

Ambry Genetics
Classification: Uncertain significance for Cardiovascular phenotype. Last evaluated: 2021-11-14. Review status: criteria provided, single submitter. Criteria: Ambry Variant Classification Scheme 2023. Collection method: clinical testing. Allele origin: germline.
Comment: The p.W344R variant (also known as c.1030T>C), located in coding exon 2 of the TNXB gene, results from a T to C substitution at nucleotide position 1030. The tryptophan at codon 344 is replaced by arginine, an amino acid with dissimilar properties. This amino acid position is conserved. In addition, this alteration is predicted to be tolerated by in silico analysis. Since supporting evidence is limited at this time, the clinical significance of this alteration remains unclear.

NM_001365276.2(TNXB):c.1030T>C (p.Trp344Arg)

Gene: TNXB (tenascin XB; minus strand). Cytogenetic location: 6p21.33.
Variant type: single nucleotide variant.
Coding change: c.1030T>C on transcript NM_001365276.2 (MANE Select); coding-DNA position 1030, T replaced by C.
Protein change: p.Trp344Arg; replaces tryptophan 344 with arginine.
Molecular consequence: missense variant.
Genome position (GRCh38, 1-based): chr6:32,096,823, A>G on the plus strand (T>C on the coding strand, the complement: TNXB is on the minus strand). VCF-style: chr6-32096823-A-G. GRCh37 (hg19) VCF-style: chr6-32064600-A-G.
Other names: c.1030T>C, p.Trp344Arg (NM_019105.8); short protein forms W344R.
Identifiers: ClinVar variation 1771112 (VCV001771112.2), dbSNP rs866443724, ClinGen allele CA136906400.